The following is an entry in ClinVar:

NM_001355436.2(SPTB):c.1023G>T (p.Leu341=)

Gene: SPTB (spectrin beta, erythrocytic; minus strand). Cytogenetic location: 14q23.3.
Variant type: single nucleotide variant.
Coding change: c.1023G>T on transcript NM_001355436.2 (MANE Select); coding-DNA position 1023, G replaced by T.
Protein change: p.Leu341=; no amino-acid change (leucine 341 retained).
Molecular consequence: synonymous variant.
Genome position (GRCh38, 1-based): chr14:64,799,788, C>A on the plus strand (G>T on the coding strand, the complement: SPTB is on the minus strand). VCF-style: chr14-64799788-C-A. GRCh37 (hg19) VCF-style: chr14-65266506-C-A.
Other names: p.Leu341=; c.1023G>T, p.Leu341= (NM_001024858.4, NM_001355437.2).
Identifiers: ClinVar variation 1646416 (VCV001646416.10), dbSNP rs144939390, ClinGen allele CA7231256.
Genomic context (GRCh38, chr14:64,799,788, plus strand): 5'-CATGTGCCAGGGCCCTTACTTGGGCGGCTTCTCCACGGTGCGGTAGGTGCTGAAGGCCTG[C>A]AGCTGCTGCTGGACGCCCGTCAGCGAGTTGGCAAACTTGCGGCTGTTCAGGACAGTGATG-3'
Protein context (NP_001342365.1, residues 331-351): ANSLTGVQQQ[Leu341=]QAFSTYRTVE

ClinVar aggregate classification (germline): Likely benign. Review status: criteria provided, multiple submitters, no conflicts (2 of 4 stars). 3 submissions from 3 submitters: Likely benign (3). Last evaluated 2025-07-01.

Allele frequency attached by ClinVar (database versions not stated): gnomAD exomes 0.00003 and 0.00008; ExAC 0.00010; gnomAD 0.00034 and 0.00035; ESP Exome Variant Server 0.00038; TOPMed 0.00038; 1000 Genomes Project 30x 0.00047; 1000 Genomes Project 0.00060.

Submissions (3):

Labcorp Genetics (formerly Invitae), Labcorp
Classification: Likely benign. Last evaluated: 2025-07-01. Review status: criteria provided, single submitter. Criteria: Invitae Variant Classification Sherloc (09022015). Collection method: clinical testing. Allele origin: germline.

Mayo Clinic Laboratories, Mayo Clinic
Classification: Likely benign. Last evaluated: 2025-05-15. Review status: criteria provided, single submitter. Criteria: ACMG Guidelines, 2015. Collection method: clinical testing. Allele origin: germline. Observed: 1 variant allele.
Comment: BP4, BP7

ARUP Laboratories, Molecular Genetics and Genomics, ARUP Laboratories
Classification: Likely benign. Last evaluated: 2023-02-14. Review status: criteria provided, single submitter. Criteria: ARUP Molecular Germline Variant Investigation Process 2024. Collection method: clinical testing. Allele origin: germline.